The following is an entry in ClinVar:

NM_019074.4(DLL4):c.1025A>G (p.Gln342Arg)

Gene: DLL4 (delta like canonical Notch ligand 4; plus strand). Cytogenetic location: 15q15.1.
Variant type: single nucleotide variant.
Coding change: c.1025A>G on transcript NM_019074.4 (MANE Select); coding-DNA position 1025, A replaced by G.
Protein change: p.Gln342Arg; replaces glutamine 342 with arginine.
Molecular consequence: missense variant.
Genome position (GRCh38, 1-based): chr15:40,934,902, A>G. VCF-style: chr15-40934902-A-G. GRCh37 (hg19) VCF-style: chr15-41227100-A-G.
Other names: short protein forms Q342R.
Identifiers: ClinVar variation 2152223 (VCV002152223.4), dbSNP rs774671244, ClinGen allele CA7487843.

ClinVar aggregate classification (germline): Uncertain significance (1 of 4 stars; one submission).

Allele frequency attached by ClinVar (database versions not stated): gnomAD 0.00001; gnomAD exomes 0.00001; ExAC 0.00002; TOPMed 0.00002.
gnomAD v4.1: 6 of 1,613,372 alleles (0.00037%); highest among the groups gnomAD compares: East Asian, 0.0089%; no homozygotes.

Submission:

Labcorp Genetics (formerly Invitae), Labcorp
Classification: Uncertain significance. Last evaluated: 2022-02-02. Review status: criteria provided, single submitter. Criteria: Invitae Variant Classification Sherloc (09022015). Collection method: clinical testing. Allele origin: germline.
Comment: This variant is present in population databases (rs774671244, gnomAD 0.006%). This variant has not been reported in the literature in individuals affected with DLL4-related conditions. Algorithms developed to predict the effect of missense changes on protein structure and function (SIFT, PolyPhen-2, Align-GVGD) all suggest that this variant is likely to be tolerated. In summary, the available evidence is currently insufficient to determine the role of this variant in disease. Therefore, it has been classified as a Variant of Uncertain Significance. This sequence change replaces glutamine, which is neutral and polar, with arginine, which is basic and polar, at codon 342 of the DLL4 protein (p.Gln342Arg).